The following is an entry in ClinVar:

NM_001289104.2(PRKCSH):c.977_988dup (p.Glu329_Glu330insAlaGluGluGlu)

Gene: PRKCSH (PRKCSH beta subunit of glucosidase II; plus strand). Cytogenetic location: 19p13.2.
Variant type: Duplication.
Coding change: c.977_988dup on transcript NM_001289104.2 (MANE Select); coding-DNA positions 977 to 988, 12 bases duplicated (CTGAAGAAGAGG).
Protein change: p.Glu329_Glu330insAlaGluGluGlu.
Genome position (GRCh38, 1-based): chr19:11,447,566-11,447,577, CTGAAGAAGAGG duplicated; duplicating any 12 consecutive bases within chr19:11,447,556-11,447,577 gives the same sequence; the c. name uses the placement nearest the transcript's 3' end. VCF-style (leftmost placement, unchanged base first): chr19-11447555-G-GGAAGAAGAGGCT. GRCh37 (hg19) VCF-style: chr19-11558370-G-GGAAGAAGAGGCT.
Other names: c.977_988dup, p.Glu329_Glu330insAlaGluGluGlu (NM_001001329.3, NM_001289102.2, NM_001289103.2 and 3 more transcripts).
Identifiers: ClinVar variation 3360949 (VCV003360949.1).
Genomic context (GRCh38, chr19:11,447,555, plus strand): 5'-GGAGCAGCCGCCAGTGCCCTCGTCGCCCACAGAGGAGGAGGAGGAGGAGGAGGAGGAGGA[G>GGAAGAAGAGGCT]GAAGAAGAGGCTGAAGAAGAGGAGGAGGAGGAGGATTCCGAGGTGCAGGGGGAGCAGCCC-3'

ClinVar aggregate classification (germline): Uncertain significance (1 of 4 stars; one submission).

Submission:

GeneDx
Classification: Uncertain significance. Last evaluated: 2023-07-17. Review status: criteria provided, single submitter. Criteria: GeneDx Variant Classification Process June 2021. Collection method: clinical testing. Allele origin: germline. Affected: yes.
Comment: In-frame insertion of 4 amino acids in a repetitive region with no known function; Not observed at significant frequency in large population cohorts (gnomAD); Has not been previously published as pathogenic or benign to our knowledge